The following is an entry in ClinVar:

ClinVar aggregate classification (germline): Uncertain significance (1 of 4 stars; one submission).

Submission:

Labcorp Genetics (formerly Invitae), Labcorp
Classification: Uncertain significance. Last evaluated: 2022-04-09. Review status: criteria provided, single submitter. Criteria: Invitae Variant Classification Sherloc (09022015). Collection method: clinical testing. Allele origin: germline.
Comment: In summary, the available evidence is currently insufficient to determine the role of this variant in disease. Therefore, it has been classified as a Variant of Uncertain Significance. This variant has not been reported in the literature in individuals affected with STIL-related conditions. This variant results in a copy number gain of the genomic region encompassing exon(s) 15-17 of the STIL gene. This region includes the termination codon of the gene. This copy number gain extends beyond the assayed region for this gene and therefore may encompass additional genes. As the precise location of this event is unknown, it may be in tandem or it may be located elsewhere in the genome.

NC_000001.10:g.(?_47716808)_(47728805_?)dup

Gene: STIL (STIL centriolar assembly protein; minus strand). Cytogenetic location: 1p33.
Variant type: Duplication.
Identifiers: ClinVar variation 2424607 (VCV002424607.4).